The following is an entry in ClinVar:

NM_001098512.3(PRKG1):c.141C>G (p.Leu47=)

Gene: PRKG1 (protein kinase cGMP-dependent 1; plus strand). Cytogenetic location: 10q11.23.
Variant type: single nucleotide variant.
Coding change: c.141C>G on transcript NM_001098512.3; coding-DNA position 141, C replaced by G.
Protein change: p.Leu47=; no amino-acid change (leucine 47 retained).
Molecular consequence: synonymous variant.
Genome position (GRCh38, 1-based): chr10:50,991,519, C>G. VCF-style: chr10-50991519-C-G. GRCh37 (hg19) VCF-style: chr10-52751279-C-G.
Identifiers: ClinVar variation 3045582 (VCV003045582.2), dbSNP rs1416784690, ClinGen allele CA469795448.

ClinVar aggregate classification (germline): Likely benign (0 of 4 stars; one submission).

Conditions:
PRKG1-related disorder. Also called: PRKG1-related condition.

Submission:

PreventionGenetics, part of Exact Sciences
Classification: Likely benign for PRKG1-related condition. Last evaluated: 2019-10-14. Review status: no assertion criteria provided. Collection method: clinical testing. Allele origin: germline.
Comment: This variant is classified as likely benign based on ACMG/AMP sequence variant interpretation guidelines (Richards et al. 2015 PMID: 25741868, with internal and published modifications).